The following is an entry in ClinVar:

ClinVar aggregate classification (germline): Uncertain significance (1 of 4 stars; one submission).

Conditions:
Carney complex, type 1 (CNC1). Also called: CARNEY COMPLEX, TYPE I; CARNEY MYXOMA-ENDOCRINE COMPLEX. Identifiers: Orphanet 1359, MedGen C2607929, MONDO:0008057, OMIM 160980.

Submission:

Labcorp Genetics (formerly Invitae), Labcorp
Classification: Uncertain significance for Carney complex, type 1. Last evaluated: 2023-09-22. Review status: criteria provided, single submitter. Criteria: Invitae Variant Classification Sherloc (09022015). Collection method: clinical testing. Allele origin: germline.
Comment: In summary, the available evidence is currently insufficient to determine the role of this variant in disease. Therefore, it has been classified as a Variant of Uncertain Significance. Variants that disrupt the consensus splice site are a relatively common cause of aberrant splicing (PMID: 17576681, 9536098). An algorithm developed to predict the effect of missense changes on protein structure and function (PolyPhen-2) suggests that this variant is likely to be disruptive. This variant has not been reported in the literature in individuals affected with PRKAR1A-related conditions. This variant is not present in population databases (gnomAD no frequency). This sequence change replaces methionine, which is neutral and non-polar, with isoleucine, which is neutral and non-polar, at codon 236 of the PRKAR1A protein (p.Met236Ile). This variant also falls at the last nucleotide of exon 7, which is part of the consensus splice site for this exon.

Literature cited by the submitters: PubMed 17576681; PubMed 9536098.

NM_002734.5(PRKAR1A):c.708G>A (p.Met236Ile)

Gene: PRKAR1A (protein kinase cAMP-dependent type I regulatory subunit alpha; plus strand). Cytogenetic location: 17q24.2.
Variant type: single nucleotide variant.
Coding change: c.708G>A on transcript NM_002734.5 (MANE Select); coding-DNA position 708, G replaced by A.
Protein change: p.Met236Ile; replaces methionine 236 with isoleucine.
Molecular consequence: missense variant.
Genome position (GRCh38, 1-based): chr17:68,525,912, G>A. VCF-style: chr17-68525912-G-A. GRCh37 (hg19) VCF-style: chr17-66522053-G-A.
Other names: c.708G>A, p.Met236Ile (NM_001276289.2, NM_001276290.1, NM_001278433.2 and 4 more transcripts); short protein forms M236I.
Identifiers: ClinVar variation 2762556 (VCV002762556.3), dbSNP rs2509419735, ClinGen allele CA400753401.